The following is an entry in ClinVar:

NR_033294.2(SNORD118):n.65G>A

Genes: SNORD118 (small nucleolar RNA, C/D box 118; minus strand), TMEM107 (transmembrane protein 107; minus strand). Cytogenetic location: 17p13.1.
Variant type: single nucleotide variant.
Molecular consequence: non-coding transcript variant (on NR_033294.2). On other transcripts: 3 prime UTR variant (5).
Genome position: GRCh38 VCF-style: chr17-8173524-C-T. GRCh37 (hg19) VCF-style: chr17-8076842-C-T.
Other names: c.*679G>A (NM_001351278.2, NM_001351279.2, NM_001351280.2 and 2 more transcripts).
Identifiers: ClinVar variation 1926292 (VCV001926292.4), dbSNP rs769037861, ClinGen allele CA8370697.
Genomic context (GRCh38, chr17:8,173,524, plus strand): 5'-AGCAATCAGGGTGTTGCAAGTCCTGATTACGCAGAGACGTTAATCACGTTTCATGCATCT[C>T]CAATCATCATGTTCTAATCTGCCCTCCGGAGGAGGAACAGGTAAGGATTATCCCACCTGA-3'

ClinVar aggregate classification (germline): Uncertain significance (1 of 4 stars; one submission).

gnomAD v4.1: 35 of 765,260 alleles (0.0046%); highest among the groups gnomAD compares: South Asian, 0.012%; no homozygotes.

Submission:

Labcorp Genetics (formerly Invitae), Labcorp
Classification: Uncertain significance. Last evaluated: 2024-01-25. Review status: criteria provided, single submitter. Criteria: Invitae Variant Classification Sherloc (09022015). Collection method: clinical testing. Allele origin: germline.
Comment: This variant occurs in the SNORD118 gene, which encodes an RNA molecule that does not result in a protein product. This variant is present in population databases (rs769037861, gnomAD 0.02%). This variant has not been reported in the literature in individuals affected with SNORD118-related conditions. ClinVar contains an entry for this variant (Variation ID: 1926292). Experimental studies and prediction algorithms are not available or were not evaluated, and the functional significance of this variant is currently unknown. In summary, the available evidence is currently insufficient to determine the role of this variant in disease. Therefore, it has been classified as a Variant of Uncertain Significance.